The following is an entry in ClinVar:

NM_000264.5(PTCH1):c.3418C>G (p.Leu1140Val)

Gene: PTCH1 (patched 1; minus strand). Cytogenetic location: 9q22.32.
Variant type: single nucleotide variant.
Coding change: c.3418C>G on transcript NM_000264.5 (MANE Select); coding-DNA position 3418, C replaced by G.
Protein change: p.Leu1140Val; replaces leucine 1140 with valine.
Molecular consequence: missense variant. On other transcripts: non-coding transcript variant (1).
Genome position (GRCh38, 1-based): chr9:95,453,509, G>C on the plus strand (C>G on the coding strand, the complement: PTCH1 is on the minus strand). VCF-style: chr9-95453509-G-C. GRCh37 (hg19) VCF-style: chr9-98215791-G-C.
Other names: c.3220C>G, p.Leu1074Val (NM_001083602.3); c.3415C>G, p.Leu1139Val (NM_001083603.3); c.2965C>G, p.Leu989Val (NM_001083604.3, NM_001083605.3, NM_001083606.3 and 1 more transcripts); c.3262C>G, p.Leu1088Val (NM_001354918.2); short protein forms L1074V, L1140V, L989V, L1088V, L1139V.
Identifiers: ClinVar variation 1731228 (VCV001731228.2), dbSNP rs2136631091, ClinGen allele CA374111712.

ClinVar aggregate classification (germline): Uncertain significance (1 of 4 stars; one submission).

Conditions:
Hereditary cancer-predisposing syndrome. Also called: Neoplastic Syndromes, Hereditary; Tumor predisposition; Hereditary Cancer Syndrome; Hereditary neoplastic syndrome. Identifiers: Orphanet 140162, MedGen C0027672, MeSH D009386, MONDO:0015356.

Submission:

Ambry Genetics
Classification: Uncertain significance for Hereditary cancer-predisposing syndrome. Last evaluated: 2022-02-17. Review status: criteria provided, single submitter. Criteria: Ambry Variant Classification Scheme 2023. Collection method: clinical testing. Allele origin: germline.
Comment: The p.L1140V variant (also known as c.3418C>G), located in coding exon 20 of the PTCH1 gene, results from a C to G substitution at nucleotide position 3418. The leucine at codon 1140 is replaced by valine, an amino acid with highly similar properties. This amino acid position is conserved. In addition, this alteration is predicted to be deleterious by in silico analysis. Since supporting evidence is limited at this time, the clinical significance of this alteration remains unclear.